The following is an entry in ClinVar:

NM_001035.3(RYR2):c.4352A>G (p.His1451Arg)

Gene: RYR2 (ryanodine receptor 2; plus strand). Cytogenetic location: 1q43.
Variant type: single nucleotide variant.
Coding change: c.4352A>G on transcript NM_001035.3 (MANE Select); coding-DNA position 4352, A replaced by G.
Protein change: p.His1451Arg; replaces histidine 1451 with arginine.
Molecular consequence: missense variant.
Genome position (GRCh38, 1-based): chr1:237,593,552, A>G. VCF-style: chr1-237593552-A-G. GRCh37 (hg19) VCF-style: chr1-237756852-A-G.
Other names: short protein forms H1451R.
Identifiers: ClinVar variation 3072003 (VCV003072003.1), dbSNP rs1675471793, ClinGen allele CA345399841.

ClinVar aggregate classification (germline): Uncertain significance (1 of 4 stars; one submission).

Conditions:
Catecholaminergic polymorphic ventricular tachycardia (CVPT). Also called: Catecholamine-induced polymorphic ventricular tachycardia. Identifiers: Orphanet 3286, MedGen C5574922, MONDO:0017990.

Submission:

All of Us Research Program, National Institutes of Health
Classification: Uncertain significance for Catecholaminergic polymorphic ventricular tachycardia. Last evaluated: 2023-06-26. Review status: criteria provided, single submitter. Criteria: ACMG Guidelines, 2015. Collection method: clinical testing. Allele origin: germline. Inheritance: Autosomal dominant inheritance. Observed: 1 variant allele, 1 heterozygote.
Comment: This missense variant replaces histidine with arginine at codon 1451 of the RYR2 protein. Computational prediction suggests that this variant may not impact protein structure and function (internally defined REVEL score threshold <= 0.5, PMID: 27666373). To our knowledge, functional studies have not been reported for this variant. This variant has not been reported in individuals affected with RYR2-related disorders in the literature. This variant has not been identified in the general population by the Genome Aggregation Database (gnomAD). The available evidence is insufficient to determine the role of this variant in disease conclusively. Therefore, this variant is classified as a Variant of Uncertain Significance.

This study involves interpretation of variants in research participants for the purpose of population health screening. Participant phenotype was not available at the time of variant classification. Additional details can be found in publication PMID: 35346344, PMCID: PMC8962531